The following is an entry in ClinVar:

NM_000038.6(APC):c.6141G>A (p.Met2047Ile)

Gene: APC (APC regulator of Wnt signaling pathway; plus strand). Cytogenetic location: 5q22.2.
Variant type: single nucleotide variant.
Coding change: c.6141G>A on transcript NM_000038.6 (MANE Select); coding-DNA position 6141, G replaced by A.
Protein change: p.Met2047Ile; replaces methionine 2047 with isoleucine.
Molecular consequence: missense variant.
Genome position (GRCh38, 1-based): chr5:112,841,735, G>A. VCF-style: chr5-112841735-G-A. GRCh37 (hg19) VCF-style: chr5-112177432-G-A.
Other names: c.6141G>A, p.Met2047Ile (NM_001127510.3, NM_001354895.2); c.6087G>A, p.Met2029Ile (NM_001127511.3); c.6195G>A, p.Met2065Ile (NM_001354896.2); c.6171G>A, p.Met2057Ile (NM_001354897.2); c.6066G>A, p.Met2022Ile (NM_001354898.2); c.6057G>A, p.Met2019Ile (NM_001354899.2); c.6018G>A, p.Met2006Ile (NM_001354900.2); c.5964G>A, p.Met1988Ile (NM_001354901.2); and 5 more; short protein forms M2029I, M2047I, M1764I, M1887I, M1946I, M2006I, M2022I, M1988I.
Identifiers: ClinVar variation 580578 (VCV000580578.11), dbSNP rs1561605431, ClinGen allele CA16034774.

ClinVar aggregate classification (germline): Uncertain significance. Review status: criteria provided, multiple submitters, no conflicts (2 of 4 stars). 2 submissions from 2 submitters: Uncertain significance (2). Last evaluated 2026-08-16.

Conditions:
Familial adenomatous polyposis 1 (FAP1). Also called: POLYPOSIS, ADENOMATOUS INTESTINAL; FAMILIAL ADENOMATOUS POLYPOSIS 1, ATTENUATED. Identifiers: MedGen C2713442, MONDO:0021056, OMIM 175100. Disease mechanism: loss of function.
Hereditary cancer-predisposing syndrome. Also called: Neoplastic Syndromes, Hereditary; Hereditary Cancer Syndrome; Hereditary neoplastic syndrome; Tumor predisposition. Identifiers: Orphanet 140162, MedGen C0027672, MeSH D009386, MONDO:0015356.

Submissions (2):

Ambry Genetics
Classification: Uncertain significance for Hereditary cancer-predisposing syndrome. Last evaluated: 2026-08-16. Review status: criteria provided, single submitter. Criteria: Ambry Variant Classification Scheme 2023. Collection method: clinical testing. Allele origin: germline.
Comment: The p.M2047I variant (also known as c.6141G>A), located in coding exon 15 of the APC gene, results from a G to A substitution at nucleotide position 6141. The methionine at codon 2047 is replaced by isoleucine, an amino acid with highly similar properties. This amino acid position is conserved. In addition, in silico predictors for this gene do not accurately predict pathogenicity. Based on the available evidence, the clinical significance of this variant remains unclear.

Labcorp Genetics (formerly Invitae), Labcorp
Classification: Uncertain significance for Familial adenomatous polyposis 1. Last evaluated: 2025-08-20. Review status: criteria provided, single submitter. Criteria: Invitae Variant Classification Sherloc (09022015). Collection method: clinical testing. Allele origin: germline.
Comment: This sequence change replaces methionine, which is neutral and non-polar, with isoleucine, which is neutral and non-polar, at codon 2047 of the APC protein (p.Met2047Ile). This variant is not present in population databases (gnomAD no frequency). This variant has not been reported in the literature in individuals affected with APC-related conditions. ClinVar contains an entry for this variant (Variation ID: 580578). Invitae Evidence Modeling of protein sequence and biophysical properties (such as structural, functional, and spatial information, amino acid conservation, physicochemical variation, residue mobility, and thermodynamic stability) indicates that this missense variant is not expected to disrupt APC protein function with a negative predictive value of 95%. In summary, the available evidence is currently insufficient to determine the role of this variant in disease. Therefore, it has been classified as a Variant of Uncertain Significance.